The following is an entry in ClinVar:

ClinVar aggregate classification (germline): Uncertain significance (1 of 4 stars; one submission).

gnomAD v4.1: 1 of 1,609,888 alleles (0.000062%); no homozygotes.

Submission:

Labcorp Genetics (formerly Invitae), Labcorp
Classification: Uncertain significance. Last evaluated: 2022-08-13. Review status: criteria provided, single submitter. Criteria: Invitae Variant Classification Sherloc (09022015). Collection method: clinical testing. Allele origin: germline.
Comment: This sequence change falls in intron 17 of the FOXP1 gene. It does not directly change the encoded amino acid sequence of the FOXP1 protein. It affects a nucleotide within the consensus splice site. This variant is not present in population databases (gnomAD no frequency). This variant has not been reported in the literature in individuals affected with FOXP1-related conditions. Variants that disrupt the consensus splice site are a relatively common cause of aberrant splicing (PMID: 17576681, 9536098). Algorithms developed to predict the effect of sequence changes on RNA splicing suggest that this variant is not likely to affect RNA splicing. In summary, the available evidence is currently insufficient to determine the role of this variant in disease. Therefore, it has been classified as a Variant of Uncertain Significance.

Literature cited by the submitters: PubMed 17576681; PubMed 9536098.

NM_001349338.3(FOXP1):c.1530+3A>G

Genes: FOXP1 (forkhead box P1; minus strand), LOC126806714 (BRD4-independent group 4 enhancer GRCh37_chr3:71025197-71026396; plus strand). Cytogenetic location: 3p13.
Variant type: single nucleotide variant.
Coding change: c.1530+3A>G on transcript NM_001349338.3 (MANE Select); 3 bases into the intron after coding-DNA position 1530, A replaced by G.
Molecular consequence: intron variant.
Genome position (GRCh38, 1-based): chr3:70,976,938, T>C on the plus strand (A>G on the coding strand, the complement: FOXP1 is on the minus strand). VCF-style: chr3-70976938-T-C. GRCh37 (hg19) VCF-style: chr3-71026089-T-C.
Other names: c.1530+3A>G (NM_001244810.2, NM_032682.6, NM_001349340.3 and 2 more transcripts); c.1527+3A>G (NM_001349341.3, NM_001244808.3); c.1302+3A>G (NM_001244812.3); c.1227+3A>G (NM_001349343.3, NM_001349337.2, NM_001370548.1 and 1 more transcripts); c.1230+3A>G (NM_001349342.3, NM_001244815.2, NM_001244813.3).
Identifiers: ClinVar variation 2024031 (VCV002024031.4), dbSNP rs2545109301, ClinGen allele CA2577820103.